The following is an entry in ClinVar:

ClinVar aggregate classification (germline): Likely benign (0 of 4 stars; one submission).

Conditions:
LAMC1-related disorder. Also called: LAMC1-related condition.

Allele frequency attached by ClinVar (database versions not stated): gnomAD 0.00005; ExAC 0.00007; TOPMed 0.00007; gnomAD exomes 0.00016.
gnomAD v4.1: 243 of 1,612,002 alleles (0.015%); highest among the groups gnomAD compares: Non-Finnish European, 0.019%; no homozygotes.

Submission:

PreventionGenetics, part of Exact Sciences
Classification: Likely benign for LAMC1-related condition. Last evaluated: 2019-08-12. Review status: no assertion criteria provided. Collection method: clinical testing. Allele origin: germline.
Comment: This variant is classified as likely benign based on ACMG/AMP sequence variant interpretation guidelines (Richards et al. 2015 PMID: 25741868, with internal and published modifications).

NM_002293.4(LAMC1):c.2213-5A>C

Gene: LAMC1 (laminin subunit gamma 1; plus strand). Cytogenetic location: 1q25.3.
Variant type: single nucleotide variant.
Coding change: c.2213-5A>C on transcript NM_002293.4 (MANE Select); 5 bases into the intron before coding-DNA position 2213, A replaced by C.
Molecular consequence: intron variant.
Genome position (GRCh38, 1-based): chr1:183,122,058, A>C. VCF-style: chr1-183122058-A-C. GRCh37 (hg19) VCF-style: chr1-183091193-A-C.
Identifiers: ClinVar variation 3034608 (VCV003034608.2), dbSNP rs772027203, ClinGen allele CA1281314.
Genomic context (GRCh38, chr1:183,122,058, plus strand): 5'-GAAAGTGCTCATTGTCTTATATACTTGTACATTTGCCTGTTTTCTCACGCCTGCCTTCCA[A>C]ATAGGTGTTTGTAACTGCAGAGACAATACGGCTGGCCCGCACTGTGAGAAGTGCAGTGAT-3'